The following is an entry in ClinVar:

NM_001394998.1(TANC2):c.2757A>C (p.Thr919=)

Genes: TANC2 (tetratricopeptide repeat, ankyrin repeat and coiled-coil containing 2; plus strand), LOC105371856 (uncharacterized LOC105371856; minus strand). Cytogenetic location: 17q23.3.
Variant type: single nucleotide variant.
Coding change: c.2757A>C on transcript NM_001394998.1 (MANE Select); coding-DNA position 2757, A replaced by C.
Protein change: p.Thr919=; no amino-acid change (threonine 919 retained).
Molecular consequence: synonymous variant.
Genome position (GRCh38, 1-based): chr17:63,388,700, A>C. VCF-style: chr17-63388700-A-C. GRCh37 (hg19) VCF-style: chr17-61466061-A-C.
Other names: c.2535A>C, p.Thr845= (NM_001411076.1, NM_025185.4).
Identifiers: ClinVar variation 2648056 (VCV002648056.24), dbSNP rs2510246605, ClinGen allele CA501183069.
Genomic context (GRCh38, chr17:63,388,700, plus strand): 5'-GAGTAAAAAAGTTGGTGTATCATCCTCCATCCTCCAAGGTCTCTGGATCTCTTATAGCAC[A>C]GAAGGTCTTTCCATGGCACTGGCGTCTTTACGAAATCTCTACACTCCAAATATAAAGGTA-3'
Protein context (NP_001381927.1, residues 909-929): ILQGLWISYS[Thr919=]EGLSMALASL

ClinVar aggregate classification (germline): Likely benign (1 of 4 stars; one submission).

Submission:

CeGaT Center for Human Genetics Tuebingen
Classification: Likely benign. Last evaluated: 2023-10-01. Review status: criteria provided, single submitter. Criteria: CeGaT Center For Human Genetics Tuebingen Variant Classification Criteria Version 2. Collection method: clinical testing. Allele origin: germline. Affected: yes. Observed: 1 variant allele.
Comment: TANC2: PM2:Supporting, BP4, BP7